The following is an entry in ClinVar:

NM_024611.6(ICE2):c.1401G>A (p.Glu467=)

Gene: ICE2 (interactor of little elongation complex ELL subunit 2; minus strand). Cytogenetic location: 15q22.2.
Variant type: single nucleotide variant.
Coding change: c.1401G>A on transcript NM_024611.6 (MANE Select); coding-DNA position 1401, G replaced by A.
Protein change: p.Glu467=; no amino-acid change (glutamic acid 467 retained).
Molecular consequence: synonymous variant. On other transcripts: non-coding transcript variant (1).
Genome position (GRCh38, 1-based): chr15:60,449,566, C>T on the plus strand (G>A on the coding strand, the complement: ICE2 is on the minus strand). VCF-style: chr15-60449566-C-T. GRCh37 (hg19) VCF-style: chr15-60741765-C-T.
Other names: c.990G>A, p.Glu330= (NM_001018089.3).
Identifiers: ClinVar variation 2645385 (VCV002645385.24), dbSNP rs186509093, ClinGen allele CA7592967.

ClinVar aggregate classification (germline): Likely benign (1 of 4 stars; one submission).

Allele frequency attached by ClinVar (database versions not stated): gnomAD exomes 0.00006; gnomAD 0.00008; TOPMed 0.00012; ExAC 0.00013; 1000 Genomes Project 30x 0.00031; 1000 Genomes Project 0.00040.
gnomAD v4.1: 97 of 1,614,198 alleles (0.006%); highest among the groups gnomAD compares: East Asian, 0.2%; no homozygotes.

Submission:

CeGaT Center for Human Genetics Tuebingen
Classification: Likely benign. Last evaluated: 2022-03-01. Review status: criteria provided, single submitter. Criteria: CeGaT Center For Human Genetics Tuebingen Variant Classification Criteria Version 2. Collection method: clinical testing. Allele origin: germline. Affected: yes. Observed: 1 variant allele.
Comment: ICE2: BP4, BP7